The following is an entry in ClinVar:

NM_000313.4(PROS1):c.1928A>T (p.Asn643Ile)

Gene: PROS1 (protein S; minus strand). Cytogenetic location: 3q11.1.
Variant type: single nucleotide variant.
Coding change: c.1928A>T on transcript NM_000313.4 (MANE Select); coding-DNA position 1928, A replaced by T.
Protein change: p.Asn643Ile; replaces asparagine 643 with isoleucine.
Molecular consequence: missense variant.
Genome position (GRCh38, 1-based): chr3:93,874,348, T>A on the plus strand (A>T on the coding strand, the complement: PROS1 is on the minus strand). VCF-style: chr3-93874348-T-A. GRCh37 (hg19) VCF-style: chr3-93593192-T-A.
Other names: c.2024A>T, p.Asn675Ile (NM_001314077.2); short protein forms N675I, N643I.
Identifiers: ClinVar variation 4771217 (VCV004771217.1).
Genomic context (GRCh38, chr3:93,874,348, plus strand): 5'-GCTCTAATATCATTATGTTTAGAAATGGCTTCATCCAGATCCAACTGTACACCATTAATA[T>A]TCACTTCCATGCAGCCATTATAAAAGGCATTCACTGGTGTGGCACTGAATGGAACATCTG-3'
Protein context (NP_000304.2, residues 633-653): NAFYNGCMEV[Asn643Ile]INGVQLDLDE

ClinVar aggregate classification (germline): Uncertain significance (1 of 4 stars; one submission).

Conditions:
Thrombophilia due to protein S deficiency, autosomal recessive (THPH6). Identifiers: Orphanet 743, MedGen C3281092, MONDO:0013791, OMIM 614514. Disease mechanism: loss of function.

gnomAD v4.1: 69 of 1,613,452 alleles (0.0043%); highest among the groups gnomAD compares: African/African-American, 0.084%; no homozygotes.

Submission:

Labcorp Genetics (formerly Invitae), Labcorp
Classification: Uncertain significance for Thrombophilia due to protein S deficiency, autosomal recessive. Last evaluated: 2025-08-08. Review status: criteria provided, single submitter. Criteria: Invitae Variant Classification Sherloc (09022015). Collection method: clinical testing. Allele origin: germline.
Comment: This sequence change replaces asparagine, which is neutral and polar, with isoleucine, which is neutral and non-polar, at codon 643 of the PROS1 protein (p.Asn643Ile). This variant is present in population databases (rs140472966, gnomAD 0.05%). This variant has not been reported in the literature in individuals affected with PROS1-related conditions. Invitae Evidence Modeling of protein sequence and biophysical properties (such as structural, functional, and spatial information, amino acid conservation, physicochemical variation, residue mobility, and thermodynamic stability) indicates that this missense variant is not expected to disrupt PROS1 protein function with a negative predictive value of 80%. In summary, the available evidence is currently insufficient to determine the role of this variant in disease. Therefore, it has been classified as a Variant of Uncertain Significance.